The following is an entry in ClinVar:

ClinVar aggregate classification (germline): Uncertain significance. Review status: criteria provided, multiple submitters, no conflicts (2 of 4 stars). 3 submissions from 3 submitters: Uncertain significance (2). 1 of the submissions does not count toward it. Last evaluated 2022-05-27.

Conditions:
Amyotrophic lateral sclerosis type 15. Also called: AMYOTROPHIC LATERAL SCLEROSIS 15 WITH FRONTOTEMPORAL DEMENTIA. Identifiers: Orphanet 803, MedGen C3275459, MONDO:0010459, OMIM 300857.

Allele frequency attached by ClinVar (database versions not stated): gnomAD 0.00001; gnomAD exomes 0.00001 and 0.00003; TOPMed 0.00001.

Submissions (3):

Clinical Genetics Laboratory, Skane University Hospital Lund
Classification: Uncertain significance. Last evaluated: 2022-05-27. Review status: criteria provided, single submitter. Criteria: ACMG Guidelines, 2015. Collection method: clinical testing. Allele origin: germline. Affected: yes.

Mendelics
Classification: Uncertain significance. Last evaluated: 2022-05-04. Review status: criteria provided, single submitter. Criteria: Mendelics Assertion Criteria 2019. Collection method: clinical testing. Allele origin: germline.

MAGI'S LAB - Medical Genetics Laboratory, MAGI GROUP
Classification: Likely pathogenic for Amyotrophic lateral sclerosis type 15. Last evaluated: 2020-04-14. Review status: no assertion criteria provided. Collection method: clinical testing. Allele origin: maternal. Inheritance: Autosomal dominant inheritance. Affected: yes. Observed: 1 hemizygote. Not counted in ClinVar's aggregate classification.
Comment: Arguments in favor of its pathogenicity are: i) two different early-onset probands have been reported with the same variant; ii) the variant is located in a functional domain important for HSP70 interaction; iii) the amino acid is highly conserved; iv) the variant has a low frequency (5 mutated alleles in a total of 183347 alleles). Arguments against the pathogenic effect are: i) the variant was transmitted to both patients by an unaffected mother

NM_013444.4(UBQLN2):c.1319C>T (p.Pro440Leu)

Gene: UBQLN2 (ubiquilin 2; plus strand). Cytogenetic location: Xp11.21.
Variant type: single nucleotide variant.
Coding change: c.1319C>T on transcript NM_013444.4 (MANE Select); coding-DNA position 1319, C replaced by T.
Protein change: p.Pro440Leu; replaces proline 440 with leucine.
Molecular consequence: missense variant.
Genome position (GRCh38, 1-based): chrX:56,565,192, C>T. VCF-style: chrX-56565192-C-T. GRCh37 (hg19) VCF-style: chrX-56591625-C-T.
Other names: short protein forms P440L.
Identifiers: ClinVar variation 870530 (VCV000870530.5), dbSNP rs763131369, ClinGen allele CA10430150.